The following is an entry in ClinVar:

NM_020751.3(COG6):c.*9T>C

Gene: COG6 (component of oligomeric golgi complex 6; plus strand). Cytogenetic location: 13q14.11.
Variant type: single nucleotide variant.
Coding change: c.*9T>C on transcript NM_020751.3 (MANE Select); 9 bases downstream of the stop codon, T replaced by C.
Molecular consequence: 3 prime UTR variant. On other transcripts: non-coding transcript variant (1), intron variant (1).
Genome position (GRCh38, 1-based): chr13:39,751,102, T>C. VCF-style: chr13-39751102-T-C. GRCh37 (hg19) VCF-style: chr13-40325239-T-C.
Other names: c.1826+23554T>C (NM_001145079.2, NM_001145079.1).
Identifiers: ClinVar variation 166920 (VCV000166920.6), dbSNP rs374756792, ClinGen allele CA233797.
Genomic context (GRCh38, chr13:39,751,102, plus strand): 5'-AGAGAACATTCTTCACCGATCGCCGCAGCAAGTGCAGACGCTTCTTTCCTGATTATCTTA[T>C]TTCATTGTGTTAGCAAAATATGACCTCCCTAAAACACTGAAGGTTATTTTTTATTCTTTG-3'

ClinVar aggregate classification (germline): Uncertain significance. Review status: criteria provided, multiple submitters, no conflicts (2 of 4 stars). 2 submissions from 2 submitters: Uncertain significance (2). Last evaluated 2026-05-29.

Conditions:
COG6-related disorder.

Allele frequency attached by ClinVar (database versions not stated): gnomAD exomes 0.00002 and 0.00004; ExAC 0.00007; gnomAD 0.00009; TOPMed 0.00015; ESP Exome Variant Server 0.00023.
gnomAD v4.1: 65 of 1,613,352 alleles (0.004%); highest among the groups gnomAD compares: African/African-American, 0.055%; 1 homozygote.

Submissions (2):

PreventionGenetics, part of Exact Sciences
Classification: Uncertain significance for COG6-related condition. Last evaluated: 2026-05-29. Review status: criteria provided, single submitter. Criteria: ACMG Guidelines, 2015. Collection method: clinical testing. Allele origin: germline.
Comment: The COG6 c.1826+23554T>C variant is predicted to interfere with splicing. This variant is post-coding in the canonical transcript NM_020751.2:c.*9T>C. This variant is predicted to alter splicing based on available splicing prediction software (SpliceAI, Jaganathan et al. 2019. PubMed ID: 30661751). However, the use of computer prediction softwares is not equivalent to functional evidence. To our knowledge, this variant has not been reported in the literature. This variant is reported in 0.036% of alleles in individuals of African descent in gnomAD. At this time, the clinical significance of this variant is uncertain due to the absence of conclusive functional and genetic evidence.

Eurofins Ntd Llc (ga)
Classification: Uncertain significance. Last evaluated: 2014-02-27. Review status: criteria provided, single submitter. Criteria: EGL Classification Definitions 2015. Collection method: clinical testing. Allele origin: germline. Observed: 1 variant allele, 1 heterozygote.